The following is an entry in ClinVar:

ClinVar aggregate classification (germline): Uncertain significance. Review status: criteria provided, multiple submitters, no conflicts (2 of 4 stars). 3 submissions from 3 submitters: Uncertain significance (3). Last evaluated 2025-09-30.

gnomAD v4.1: 29 of 1,611,148 alleles (0.0018%); highest among the groups gnomAD compares: East Asian, 0.0045%; no homozygotes.

Submissions (3):

Labcorp Genetics (formerly Invitae), Labcorp
Classification: Uncertain significance. Last evaluated: 2025-09-30. Review status: criteria provided, single submitter. Criteria: Invitae Variant Classification Sherloc (09022015). Collection method: clinical testing. Allele origin: germline.
Comment: This sequence change replaces valine, which is neutral and non-polar, with methionine, which is neutral and non-polar, at codon 219 of the WFS1 protein (p.Val219Met). The frequency data for this variant in the population databases is considered unreliable, as metrics indicate poor data quality at this position in the gnomAD database. This variant has not been reported in the literature in individuals affected with WFS1-related conditions. ClinVar contains an entry for this variant (Variation ID: 3359941). Invitae Evidence Modeling of protein sequence and biophysical properties (such as structural, functional, and spatial information, amino acid conservation, physicochemical variation, residue mobility, and thermodynamic stability) indicates that this missense variant is not expected to disrupt WFS1 protein function with a negative predictive value of 80%. In summary, the available evidence is currently insufficient to determine the role of this variant in disease. Therefore, it has been classified as a Variant of Uncertain Significance.

GeneDx
Classification: Uncertain significance. Last evaluated: 2023-06-20. Review status: criteria provided, single submitter. Criteria: GeneDx Variant Classification Process June 2021. Collection method: clinical testing. Allele origin: germline. Affected: yes.
Comment: In silico analysis supports that this missense variant does not alter protein structure/function; Has not been previously published as pathogenic or benign to our knowledge

Blueprint Genetics
Classification: Uncertain significance. Last evaluated: 2019-05-07. Review status: criteria provided, single submitter. Criteria: ACMG Guidelines, 2015. Collection method: clinical testing. Allele origin: germline.

NM_006005.3(WFS1):c.655G>A (p.Val219Met)

Gene: WFS1 (wolframin ER transmembrane glycoprotein; plus strand). Cytogenetic location: 4p16.1.
Variant type: single nucleotide variant.
Coding change: c.655G>A on transcript NM_006005.3 (MANE Select); coding-DNA position 655, G replaced by A.
Protein change: p.Val219Met; replaces valine 219 with methionine.
Molecular consequence: missense variant.
Genome position (GRCh38, 1-based): chr4:6,291,940, G>A. VCF-style: chr4-6291940-G-A. GRCh37 (hg19) VCF-style: chr4-6293667-G-A.
Other names: c.655G>A, p.Val219Met (NM_001145853.1); short protein forms V219M.
Identifiers: ClinVar variation 3359941 (VCV003359941.3).